The following is an entry in ClinVar:

ClinVar aggregate classification (germline): Likely pathogenic (1 of 4 stars; one submission).

Conditions:
Neuronopathy, distal hereditary motor, autosomal recessive 4. Also called: NEUROPATHY, DISTAL HEREDITARY MOTOR, AUTOSOMAL RECESSIVE 4; Autosomal recessive lower motor neuron disease with childhood onset. Identifiers: Orphanet 206580, MedGen C1970211, MONDO:0012608, OMIM 611067.
Charcot-Marie-Tooth disease recessive intermediate C. Also called: CHARCOT-MARIE-TOOTH NEUROPATHY, RECESSIVE INTERMEDIATE C. Identifiers: Orphanet 369867, MedGen C3809309, MONDO:0014154, OMIM 615376.

Submission:

Labcorp Genetics (formerly Invitae), Labcorp
Classification: Likely pathogenic for Neuronopathy, distal hereditary motor, autosomal recessive 4; Charcot-Marie-Tooth disease recessive intermediate C. Last evaluated: 2023-03-09. Review status: criteria provided, single submitter. Criteria: Invitae Variant Classification Sherloc (09022015). Collection method: clinical testing. Allele origin: germline.
Comment: This variant is not present in population databases (gnomAD no frequency). This sequence change affects a splice site in intron 17 of the PLEKHG5 gene. It is expected to disrupt RNA splicing. Variants that disrupt the donor or acceptor splice site typically lead to a loss of protein function (PMID: 16199547), and loss-of-function variants in PLEKHG5 are known to be pathogenic (PMID: 17564964, 23777631). This variant has not been reported in the literature in individuals affected with PLEKHG5-related conditions. Algorithms developed to predict the effect of sequence changes on RNA splicing suggest that this variant may disrupt the consensus splice site. In summary, the currently available evidence indicates that the variant is pathogenic, but additional data are needed to prove that conclusively. Therefore, this variant has been classified as Likely Pathogenic.

Literature cited by the submitters: PubMed 16199547; PubMed 17564964; PubMed 23777631.

NM_020631.6(PLEKHG5):c.1933+1del

Gene: PLEKHG5 (pleckstrin homology and RhoGEF domain containing G5; minus strand). Cytogenetic location: 1p36.31.
Variant type: Deletion.
Coding change: c.1933+1del on transcript NM_020631.6 (MANE Select); the canonical splice donor site of the intron after coding-DNA position 1933, one base deleted (G; older notation c.1933+1delG).
Molecular consequence: splice donor variant.
Genome position (GRCh38, 1-based): chr1:6,469,543, C deleted on the plus strand (G on the coding strand, the reverse complement: PLEKHG5 is on the minus strand); the first of 2 consecutive C bases (chr1:6,469,543-6,469,544); deleting either gives the same sequence. VCF-style (leftmost placement, unchanged base first): chr1-6469542-AC-A. GRCh37 (hg19) VCF-style: chr1-6529602-AC-A.
Other names: c.1933+1del (NM_198681.4, NM_001265594.3, NM_001042664.2 and 1 more transcripts); c.2044+1del (NM_001042663.3, NM_001265592.2); c.2140+1del (NM_001265593.2).
Identifiers: ClinVar variation 2939101 (VCV002939101.3), dbSNP rs2523136653, ClinGen allele CA2574194135.